The following is an entry in ClinVar:

ClinVar aggregate classification (germline): Likely pathogenic (1 of 4 stars; one submission).

Submission:

Mayo Clinic Laboratories, Mayo Clinic
Classification: Likely pathogenic. Last evaluated: 2025-06-09. Review status: criteria provided, single submitter. Criteria: ACMG Guidelines, 2015. Collection method: clinical testing. Allele origin: germline. Observed: 1 variant allele.
Comment: PP3_strong, PM1, PM2_supporting, PS4_moderate

Literature cited by the submitters: PubMed 11554935; PubMed 16834740; PubMed 16972227.

NM_000132.4(F8):c.5362G>C (p.Asp1788His)

Gene: F8 (coagulation factor VIII; minus strand). Cytogenetic location: Xq28.
Variant type: single nucleotide variant.
Coding change: c.5362G>C on transcript NM_000132.4 (MANE Select); coding-DNA position 5362, G replaced by C.
Protein change: p.Asp1788His; replaces aspartic acid 1788 with histidine.
Molecular consequence: missense variant.
Genome position (GRCh38, 1-based): chrX:154,906,431, C>G on the plus strand (G>C on the coding strand, the complement: F8 is on the minus strand). VCF-style: chrX-154906431-C-G. GRCh37 (hg19) VCF-style: chrX-154134706-C-G.
Other names: p.Asp1788His; short protein forms D1788H.
Identifiers: ClinVar variation 4542521 (VCV004542521.1).